The following is an entry in ClinVar:

NM_133433.4(NIPBL):c.1302G>C (p.Val434=)

Gene: NIPBL (NIPBL cohesin loading factor; plus strand). Cytogenetic location: 5p13.2.
Variant type: single nucleotide variant.
Coding change: c.1302G>C on transcript NM_133433.4 (MANE Select); coding-DNA position 1302, G replaced by C.
Protein change: p.Val434=; no amino-acid change (valine 434 retained).
Molecular consequence: synonymous variant.
Genome position (GRCh38, 1-based): chr5:36,976,209, G>C. VCF-style: chr5-36976209-G-C. GRCh37 (hg19) VCF-style: chr5-36976311-G-C.
Other names: c.1302G>C, p.Val434= (NM_015384.5).
Identifiers: ClinVar variation 382735 (VCV000382735.4), dbSNP rs769279620, ClinGen allele CA3236011.
Genomic context (GRCh38, chr5:36,976,209, plus strand): 5'-AAATGCTGCTCAATGTTTGTCGCAGCAAGAACAAACAGCATTCCTTCCAGCAAATCAAGT[G>C]CCTGTTTTACAACAGAACACTTCAGTTGCTGCAAAACAACCCCAGACTTCTGTGGTACAG-3'
Protein context (NP_597677.2, residues 424-444): EQTAFLPANQ[Val434=]PVLQQNTSVA

ClinVar aggregate classification (germline): Likely benign. Review status: criteria provided, multiple submitters, no conflicts (2 of 4 stars). 2 submissions from 2 submitters: Likely benign (2). Last evaluated 2024-10-24.

Conditions:
Cornelia de Lange syndrome 1 (CDLS1). Also called: NIPBL-Related Cornelia de Lange Syndrome; Brachmann de Lange syndrome; TYPUS DEGENERATIVUS AMSTELODAMENSIS. Identifiers: Orphanet 199, MedGen C4551851, MONDO:0007387, OMIM 122470.

Allele frequency attached by ClinVar (database versions not stated): ExAC 0.00001; TOPMed 0.00001.
gnomAD v4.1: 3 of 1,613,120 alleles (0.00019%); highest among the groups gnomAD compares: Admixed American, 0.0017%; no homozygotes.

Submissions (2):

Labcorp Genetics (formerly Invitae), Labcorp
Classification: Likely benign for Cornelia de Lange syndrome 1. Last evaluated: 2024-10-24. Review status: criteria provided, single submitter. Criteria: Invitae Variant Classification Sherloc (09022015). Collection method: clinical testing. Allele origin: germline.

GeneDx
Classification: Likely benign. Last evaluated: 2016-01-05. Review status: criteria provided, single submitter. Criteria: GeneDx Variant Classification (06012015). Collection method: clinical testing. Allele origin: germline. Affected: yes.
Comment: This variant is considered likely benign or benign based on one or more of the following criteria: it is a conservative change, it occurs at a poorly conserved position in the protein, it is predicted to be benign by multiple in silico algorithms, and/or has population frequency not consistent with disease.